The following is an entry in ClinVar:

ClinVar aggregate classification (germline): Likely pathogenic (1 of 4 stars; one submission).

Conditions:
Dilated cardiomyopathy 1G (CMD1G). Identifiers: Orphanet 154, MedGen C1858763, MONDO:0011400, OMIM 604145.
Autosomal recessive limb-girdle muscular dystrophy type 2J (LGMDR10). Also called: Limb-girdle muscular dystrophy, type 2J; MUSCULAR DYSTROPHY, LIMB-GIRDLE, AUTOSOMAL RECESSIVE 10. Identifiers: Orphanet 140922, MedGen C1837342, MONDO:0012127, OMIM 608807.

Submission:

Labcorp Genetics (formerly Invitae), Labcorp
Classification: Likely pathogenic for Dilated cardiomyopathy 1G; Autosomal recessive limb-girdle muscular dystrophy type 2J. Last evaluated: 2025-02-10. Review status: criteria provided, single submitter. Criteria: Invitae Variant Classification Sherloc (09022015). Collection method: clinical testing. Allele origin: germline.
Comment: This sequence change creates a premature translational stop signal (p.Val2725Phefs*40) in the TTN gene. While this is not anticipated to result in nonsense mediated decay, it is expected to create a truncated TTN protein. This variant is not present in population databases (gnomAD no frequency). This variant has not been reported in the literature in individuals affected with TTN-related conditions. This variant is located in the I band of TTN (PMID: 25589632). Truncating variants in this region have been reported in individuals affected with autosomal recessive centronuclear myopathy (PMID: 23975875, internal data). Truncating variants in this region have also been identified in individuals affected with autosomal dominant dilated cardiomyopathy and/or cardio-related conditions (PMID: 27869827, 32964742, internal data). In summary, the currently available evidence indicates that the variant is pathogenic, but additional data are needed to prove that conclusively. Therefore, this variant has been classified as Likely Pathogenic.

Literature cited by the submitters: PubMed 25589632; PubMed 23975875; PubMed 27869827; PubMed 32964742.

NM_001267550.2(TTN):c.8172del (p.Val2725fs)

Gene: TTN (titin; minus strand). Cytogenetic location: 2q31.2.
Variant type: Deletion.
Coding change: c.8172del on transcript NM_001267550.2 (MANE Select); coding-DNA position 8172, one base deleted (T; older notation c.8172delT).
Protein change: p.Val2725fs; shifts the reading frame from valine 2725.
Molecular consequence: frameshift variant.
Genome position (GRCh38, 1-based): chr2:178,770,620, A deleted on the plus strand (T on the coding strand, the reverse complement: TTN is on the minus strand). VCF-style (leftmost placement, unchanged base first): chr2-178770619-CA-C. GRCh37 (hg19) VCF-style: chr2-179635346-CA-C.
Other names: c.8172del, p.Val2725fs (NM_001256850.1, NM_133378.4, NM_133379.5); c.8034del, p.Val2679fs (NM_003319.4, NM_133432.3, NM_133437.4); short protein forms V2679fs, V2725fs.
Identifiers: ClinVar variation 4784118 (VCV004784118.1).